The following is an entry in ClinVar:

ClinVar aggregate classification (germline): Uncertain significance (1 of 4 stars; one submission).

Conditions:
Inborn genetic diseases. Identifiers: MedGen C0950123, MeSH D030342.

gnomAD v4.1: 3 of 1,614,062 alleles (0.00019%); highest among the groups gnomAD compares: Admixed American, 0.0033%; no homozygotes.

Submission:

Ambry Genetics
Classification: Uncertain significance for Inborn genetic diseases. Last evaluated: 2026-06-23. Review status: criteria provided, single submitter. Criteria: Ambry Variant Classification Scheme 2023. Collection method: clinical testing. Allele origin: germline.
Comment: The c.1076C>G (p.P359R) alteration is located in exon 11 (coding exon 11) of the EBF3 gene. This alteration results from a C to G substitution at nucleotide position 1076, causing the proline (P) at amino acid position 359 to be replaced by an arginine (R). Based on data from gnomAD, the G allele has an overall frequency of <0.001% (1/251496) total alleles studied. The highest observed frequency was 0.003% (1/34592) of Latino alleles. Based on insufficient or conflicting evidence, the clinical significance of this alteration remains unclear.

NM_001375380.1(EBF3):c.1103C>G (p.Pro368Arg)

Gene: EBF3 (EBF transcription factor 3; minus strand). Cytogenetic location: 10q26.3.
Variant type: single nucleotide variant.
Coding change: c.1103C>G on transcript NM_001375380.1 (MANE Select); coding-DNA position 1103, C replaced by G.
Protein change: p.Pro368Arg; replaces proline 368 with arginine.
Molecular consequence: missense variant.
Genome position (GRCh38, 1-based): chr10:129,848,417, G>C on the plus strand (C>G on the coding strand, the complement: EBF3 is on the minus strand). VCF-style: chr10-129848417-G-C. GRCh37 (hg19) VCF-style: chr10-131646681-G-C.
Other names: c.1076C>G, p.Pro359Arg (NM_001005463.3, NM_001375390.1, NM_001375392.1); c.1103C>G, p.Pro368Arg (NM_001375379.1, NM_001375389.1, NM_001375391.1); short protein forms P368R, P359R.
Identifiers: ClinVar variation 5035705 (VCV005035705.1).